The following is an entry in ClinVar:

ClinVar aggregate classification (germline): Uncertain significance (1 of 4 stars; one submission).

Submission:

GeneDx
Classification: Uncertain significance. Last evaluated: 2025-06-05. Review status: criteria provided, single submitter. Criteria: GeneDx Variant Classification Process June 2021. Collection method: clinical testing. Allele origin: germline. Affected: yes.
Comment: In silico analysis supports a deleterious effect on splicing; Has not been previously published as pathogenic or benign to our knowledge; No data available from control populations to assess the frequency of this variant; Located in a regulatory region; in the absence of functional studies, the actual effect of this sequence change is unknown

NM_001145358.2(SIN3A):c.-34+1del

Gene: SIN3A (SIN3 transcription regulator family member A; minus strand). Cytogenetic location: 15q24.2.
Variant type: Deletion.
Coding change: c.-34+1del on transcript NM_001145358.2 (MANE Select); the canonical splice donor site of the intron after 34 bases upstream of the start codon, one base deleted (G; older notation c.-34+1delG).
Molecular consequence: splice donor variant. On other transcripts: 5 prime UTR variant (1), intron variant (2).
Genome position (GRCh38, 1-based): chr15:75,451,422, C deleted on the plus strand (G on the coding strand, the reverse complement: SIN3A is on the minus strand); the first of 2 consecutive C bases (chr15:75,451,422-75,451,423); deleting either gives the same sequence. VCF-style (leftmost placement, unchanged base first): chr15-75451421-AC-A. GRCh37 (hg19) VCF-style: chr15-75743762-AC-A.
Other names: c.-96del (NM_015477.3); c.-34+4366del (NM_001437463.1); c.-34+4213del (NM_001145357.2); c.-132+1del (NM_001437462.1).
Identifiers: ClinVar variation 4536440 (VCV004536440.1).